The following is an entry in ClinVar:

NM_014989.7(RIMS1):c.3272C>T (p.Ser1091Leu)

Gene: RIMS1 (regulating synaptic membrane exocytosis 1; plus strand). Cytogenetic location: 6q13.
Variant type: single nucleotide variant.
Coding change: c.3272C>T on transcript NM_014989.7 (MANE Select); coding-DNA position 3272, C replaced by T.
Protein change: p.Ser1091Leu; replaces serine 1091 with leucine.
Molecular consequence: missense variant. On other transcripts: intron variant (62).
Genome position (GRCh38, 1-based): chr6:72,265,467, C>T. VCF-style: chr6-72265467-C-T. GRCh37 (hg19) VCF-style: chr6-72975170-C-T.
Other names: c.1691C>T, p.Ser564Leu (NM_001350436.2); c.1470-493C>T (NM_001350428.2, NM_001350459.2, NM_001350424.2 and 1 more transcripts); c.1467-493C>T (NM_001350437.2, NM_001350430.2, NM_001350421.2 and 1 more transcripts); c.1616+415C>T (NM_001350458.2); c.1539-493C>T (NM_001350433.2, NM_001350446.2, NM_001350442.2 and 8 more transcripts); c.1538+4700C>T (NM_001350431.2); c.1476-493C>T (NM_001350457.2); c.1475+6356C>T (NM_001350460.2, NM_001350426.2, NM_001350429.2 and 1 more transcripts); and 14 more; short protein forms S564L, S1091L.
Identifiers: ClinVar variation 1506878 (VCV001506878.8), dbSNP rs770557500, ClinGen allele CA3886187.

ClinVar aggregate classification (germline): Uncertain significance (1 of 4 stars; one submission).

Allele frequency attached by ClinVar (database versions not stated): TOPMed 0.00001; gnomAD exomes 0.00002 and 0.00003; ExAC 0.00003.
gnomAD v4.1: 30 of 1,604,738 alleles (0.0019%); highest among the groups gnomAD compares: Middle Eastern, 0.05%; no homozygotes.

Submission:

Labcorp Genetics (formerly Invitae), Labcorp
Classification: Uncertain significance. Last evaluated: 2022-04-25. Review status: criteria provided, single submitter. Criteria: Invitae Variant Classification Sherloc (09022015). Collection method: clinical testing. Allele origin: germline.
Comment: This variant has not been reported in the literature in individuals affected with RIMS1-related conditions. Algorithms developed to predict the effect of missense changes on protein structure and function are either unavailable or do not agree on the potential impact of this missense change (SIFT: "Deleterious"; PolyPhen-2: "Benign"; Align-GVGD: "Class C0"). Algorithms developed to predict the effect of sequence changes on RNA splicing suggest that this variant may disrupt the consensus splice site. In summary, the available evidence is currently insufficient to determine the role of this variant in disease. Therefore, it has been classified as a Variant of Uncertain Significance. This variant is present in population databases (rs770557500, gnomAD 0.02%). This sequence change replaces serine, which is neutral and polar, with leucine, which is neutral and non-polar, at codon 1091 of the RIMS1 protein (p.Ser1091Leu).